The following is an entry in ClinVar:

NM_006073.4(TRDN):c.157G>C (p.Val53Leu)

Gene: TRDN (triadin; minus strand). Cytogenetic location: 6q22.31.
Variant type: single nucleotide variant.
Coding change: c.157G>C on transcript NM_006073.4 (MANE Select); coding-DNA position 157, G replaced by C.
Protein change: p.Val53Leu; replaces valine 53 with leucine.
Molecular consequence: missense variant.
Genome position (GRCh38, 1-based): chr6:123,570,998, C>G on the plus strand (G>C on the coding strand, the complement: TRDN is on the minus strand). VCF-style: chr6-123570998-C-G. GRCh37 (hg19) VCF-style: chr6-123892143-C-G.
Other names: c.157G>C, p.Val53Leu (NM_001251987.2, NM_001256020.2, NM_001256021.2 and 2 more transcripts); short protein forms V53L.
Identifiers: ClinVar variation 2447979 (VCV002447979.2), dbSNP rs760122691, ClinGen allele CA365569173.

ClinVar aggregate classification (germline): Uncertain significance (1 of 4 stars; one submission).

Conditions:
Cardiovascular phenotype. Identifiers: MedGen CN230736.

gnomAD v4.1: 1 of 1,613,836 alleles (0.000062%); highest among the groups gnomAD compares: African/African-American, 0.0013%; no homozygotes.

Submission:

Ambry Genetics
Classification: Uncertain significance for Cardiovascular phenotype. Last evaluated: 2023-01-01. Review status: criteria provided, single submitter. Criteria: Ambry Variant Classification Scheme 2023. Collection method: clinical testing. Allele origin: germline.
Comment: The p.V53L variant (also known as c.157G>C), located in coding exon 2 of the TRDN gene, results from a G to C substitution at nucleotide position 157. The valine at codon 53 is replaced by leucine, an amino acid with highly similar properties. This amino acid position is conserved. In addition, this alteration is predicted to be deleterious by in silico analysis. Since supporting evidence is limited at this time, the clinical significance of this alteration remains unclear.